The following is an entry in ClinVar:

NM_004364.5(CEBPA):c.1038A>G (p.Pro346=)

Gene: CEBPA (CCAAT enhancer binding protein alpha; minus strand). Cytogenetic location: 19q13.11.
Variant type: single nucleotide variant.
Coding change: c.1038A>G on transcript NM_004364.5 (MANE Select); coding-DNA position 1038, A replaced by G.
Protein change: p.Pro346=; no amino-acid change (proline 346 retained).
Molecular consequence: synonymous variant.
Genome position (GRCh38, 1-based): chr19:33,301,377, T>C on the plus strand (A>G on the coding strand, the complement: CEBPA is on the minus strand). VCF-style: chr19-33301377-T-C. GRCh37 (hg19) VCF-style: chr19-33792283-T-C.
Other names: c.681A>G, p.Pro227= (NM_001285829.2); c.1143A>G, p.Pro381= (NM_001287424.2); c.996A>G, p.Pro332= (NM_001287435.2).
Identifiers: ClinVar variation 3606539 (VCV003606539.3).

ClinVar aggregate classification (germline): Conflicting classifications of pathogenicity. Review status: criteria provided, conflicting classifications (1 of 4 stars). 2 submissions from 2 submitters: Uncertain significance (1); Likely benign (1). Last evaluated 2024-12-23.

Conditions:
Acute myeloid leukemia (AML). Also called: Acute myeloid leukemia, adult; AML adult; Acute non-lymphocytic leukemia; Acute granulocytic leukemia; Leukemia, acute myeloid, somatic; Leukemia, acute myelogenous, somatic. Identifiers: Orphanet 519, MedGen C0023467, MeSH D015470, MONDO:0018874, OMIM 601626, HP:0004808. Disease mechanism: Constitutively activated FLT3.
Inborn genetic diseases. Identifiers: MedGen C0950123, MeSH D030342.

Submissions (2):

Ambry Genetics
Classification: Likely benign for Inborn genetic diseases. Last evaluated: 2024-12-23. Review status: criteria provided, single submitter. Criteria: Ambry Variant Classification Scheme 2023. Collection method: clinical testing. Allele origin: germline.

Labcorp Genetics (formerly Invitae), Labcorp
Classification: Uncertain significance for Acute myeloid leukemia. Last evaluated: 2024-02-22. Review status: criteria provided, single submitter. Criteria: Invitae Variant Classification Sherloc (09022015). Collection method: clinical testing. Allele origin: germline.
Comment: This sequence change affects codon 346 of the CEBPA mRNA. It is a 'silent' change, meaning that it does not change the encoded amino acid sequence of the CEBPA protein. This variant is not present in population databases (gnomAD no frequency). This variant has not been reported in the literature in individuals affected with CEBPA-related conditions. In summary, the available evidence is currently insufficient to determine the role of this variant in disease. Therefore, it has been classified as a Variant of Uncertain Significance.